The following is an entry in ClinVar:

NM_001365999.1(SZT2):c.4844C>T (p.Thr1615Ile)

Gene: SZT2 (SZT2 subunit of KICSTOR complex; plus strand). Cytogenetic location: 1p34.2.
Variant type: single nucleotide variant.
Coding change: c.4844C>T on transcript NM_001365999.1 (MANE Select); coding-DNA position 4844, C replaced by T.
Protein change: p.Thr1615Ile; replaces threonine 1615 with isoleucine.
Molecular consequence: missense variant.
Genome position (GRCh38, 1-based): chr1:43,431,018, C>T. VCF-style: chr1-43431018-C-T. GRCh37 (hg19) VCF-style: chr1-43896689-C-T.
Other names: c.4673C>T, p.Thr1558Ile (NM_015284.4); short protein forms T1558I, T1615I.
Identifiers: ClinVar variation 1742343 (VCV001742343.8), dbSNP rs923098765, ClinGen allele CA21637453.

ClinVar aggregate classification (germline): Uncertain significance. Review status: criteria provided, multiple submitters, no conflicts (2 of 4 stars). 3 submissions from 3 submitters: Uncertain significance (3). Last evaluated 2023-04-11.

Conditions:
Inborn genetic diseases. Identifiers: MedGen C0950123, MeSH D030342.
Developmental and epileptic encephalopathy, 18 (DEE18). Also called: Early infantile epileptic encephalopathy 18. Identifiers: Orphanet 369894, MedGen C3809624, MONDO:0014201, OMIM 615476.

Submissions (3):

Genome-Nilou Lab
Classification: Uncertain significance for Developmental and epileptic encephalopathy, 18. Last evaluated: 2023-04-11. Review status: criteria provided, single submitter. Criteria: ACMG Guidelines, 2015. Collection method: clinical testing. Allele origin: germline. Affected: no.

Labcorp Genetics (formerly Invitae), Labcorp
Classification: Uncertain significance. Last evaluated: 2022-09-01. Review status: criteria provided, single submitter. Criteria: Invitae Variant Classification Sherloc (09022015). Collection method: clinical testing. Allele origin: germline.
Comment: This sequence change replaces threonine, which is neutral and polar, with isoleucine, which is neutral and non-polar, at codon 1558 of the SZT2 protein (p.Thr1558Ile). This variant is not present in population databases (gnomAD no frequency). This variant has not been reported in the literature in individuals affected with SZT2-related conditions. Algorithms developed to predict the effect of missense changes on protein structure and function are either unavailable or do not agree on the potential impact of this missense change (SIFT: "Tolerated"; PolyPhen-2: "Probably Damaging"; Align-GVGD: "Class C0"). In summary, the available evidence is currently insufficient to determine the role of this variant in disease. Therefore, it has been classified as a Variant of Uncertain Significance.

Ambry Genetics
Classification: Uncertain significance for Inborn genetic diseases. Last evaluated: 2019-09-21. Review status: criteria provided, single submitter. Criteria: Ambry Variant Classification Scheme 2023. Collection method: clinical testing. Allele origin: germline.
Comment: The p.T1558I variant (also known as c.4673C>T), located in coding exon 32 of the SZT2 gene, results from a C to T substitution at nucleotide position 4673. The threonine at codon 1558 is replaced by isoleucine, an amino acid with similar properties. This amino acid position is highly conserved in available vertebrate species. In addition, this alteration is predicted to be deleterious by in silico analysis. Since supporting evidence is limited at this time, the clinical significance of this alteration remains unclear.